The following is an entry in ClinVar:

NC_000014.8:g.(?_23856728)_(23885531_?)dup

Genes: MIR208A (microRNA 208a; minus strand), MYH6 (myosin heavy chain 6; minus strand), MYH7 (myosin heavy chain 7; minus strand). Cytogenetic location: 14q11.2.
Variant type: Duplication.
Identifiers: ClinVar variation 1014526 (VCV001014526.2).

ClinVar aggregate classification (germline): Uncertain significance (1 of 4 stars; one submission).

Conditions:
Hypertrophic cardiomyopathy. Also called: HYPERTROPHIC MYOCARDIOPATHY. Identifiers: Orphanet 217569, MedGen C0007194, MeSH D002312, MONDO:0005045, HP:0001639.

Submission:

Labcorp Genetics (formerly Invitae), Labcorp
Classification: Uncertain significance for Hypertrophic cardiomyopathy. Last evaluated: 2020-04-08. Review status: criteria provided, single submitter. Criteria: Invitae Variant Classification Sherloc (09022015). Collection method: clinical testing. Allele origin: germline.
Comment: This variant results in a copy number gain of the genomic region encompassing exon(s) 34-40 of the MYH7 gene. The 5' boundary is likely confined to exon 34. The 3' end of this event is unknown as it extends beyond the assayed region for this gene and therefore may encompass additional genes. As the precise location of this event is unknown, it may be in tandem or it may be located elsewhere in the genome. This variant has not been reported in the literature in individuals with MYH7-related conditions. Experimental studies and prediction algorithms are not available or were not evaluated, and the functional significance of this variant is currently unknown. In summary, the available evidence is currently insufficient to determine the role of this variant in disease. Therefore, it has been classified as a Variant of Uncertain Significance.